The following is an entry in ClinVar:

ClinVar aggregate classification (germline): Likely pathogenic (1 of 4 stars; one submission).

Conditions:
Hearing impairment. Also called: Impaired Hearing. Identifiers: MedGen C1384666, MONDO:0005365, HP:0000365.

Allele frequency attached by ClinVar (database versions not stated): gnomAD 0.00001.

Submission:

Department of Otolaryngology – Head & Neck Surgery, Cochlear Implant Center
Classification: Likely pathogenic for Hearing impairment. Last evaluated: 2021-04-12. Review status: criteria provided, single submitter. Criteria: ClinGen HL ACMG Specifications v1. Collection method: clinical testing. Allele origin: germline. Affected: yes.
Comment: PVS1_Strong, PM2_Moderate, PM3_Moderate

NM_194248.3(OTOF):c.2719C>T (p.Gln907Ter)

Gene: OTOF (otoferlin; minus strand). Cytogenetic location: 2p23.3.
Variant type: single nucleotide variant.
Coding change: c.2719C>T on transcript NM_194248.3 (MANE Select); coding-DNA position 2719, C replaced by T.
Protein change: p.Gln907Ter; replaces glutamine 907 with a stop codon.
Molecular consequence: nonsense.
Genome position (GRCh38, 1-based): chr2:26,476,275, G>A on the plus strand (C>T on the coding strand, the complement: OTOF is on the minus strand). VCF-style: chr2-26476275-G-A. GRCh37 (hg19) VCF-style: chr2-26699143-G-A.
Other names: c.2719C>T, p.Gln907Ter (NM_001287489.2); c.478C>T, p.Gln160Ter (NM_004802.4, NM_194323.3); c.649C>T, p.Gln217Ter (NM_194322.3); short protein forms Q160*, Q217*, Q907*.
Identifiers: ClinVar variation 1064991 (VCV001064991.3), dbSNP rs1249447410, ClinGen allele CA346116392.